The following is an entry in ClinVar:

NM_005676.5(RBM10):c.1198_1199insGCCACAGAGGTG (p.Ala399_Ala400insGlyHisArgGly)

Gene: RBM10 (RNA binding motif protein 10; plus strand). Cytogenetic location: Xp11.3.
Variant type: Insertion.
Coding change: c.1198_1199insGCCACAGAGGTG on transcript NM_005676.5 (MANE Select); coding-DNA positions 1198 to 1199, GCCACAGAGGTG inserted.
Protein change: p.Ala399_Ala400insGlyHisArgGly.
Molecular consequence: inframe insertion.
Genome position: GRCh38 VCF-style: chrX-47180454-C-CTGGCCACAGAGG. GRCh37 (hg19) VCF-style: chrX-47039853-C-CTGGCCACAGAGG.
Other names: c.967_968insGCCACAGAGGTG, p.Ala322_Ala323insGlyHisArgGly (NM_001204466.2); c.1195_1196insGCCACAGAGGTG, p.Ala398_Ala399insGlyHisArgGly (NM_001204467.2); c.1393_1394insGCCACAGAGGTG, p.Ala464_Ala465insGlyHisArgGly (NM_001204468.2); c.964_965insGCCACAGAGGTG, p.Ala321_Ala322insGlyHisArgGly (NM_152856.3).
Identifiers: ClinVar variation 2660399 (VCV002660399.24), dbSNP rs2520927388, ClinGen allele CA2695200189.
Genomic context (GRCh38, chrX:47,180,454, plus strand): 5'-TCCCAGTCTCTAACATCCTCCTCAGGGACATGGCCTCCAATGAAGGCAGTCGCATCAGTG[C>CTGGCCACAGAGG]TGCCTCTGTGGCCAGCACTGCCATTGCTGCGGCCCAGTGGGCCATCTCACAGGTACTCAG-3'

ClinVar aggregate classification (germline): Uncertain significance (1 of 4 stars; one submission).

Submission:

CeGaT Center for Human Genetics Tuebingen
Classification: Uncertain significance. Last evaluated: 2022-07-01. Review status: criteria provided, single submitter. Criteria: CeGaT Center For Human Genetics Tuebingen Variant Classification Criteria Version 2. Collection method: clinical testing. Allele origin: germline. Affected: yes. Observed: 1 variant allele.
Comment: RBM10: PM2, PS2:Supporting